The following is an entry in ClinVar:

ClinVar aggregate classification (germline): Uncertain significance (1 of 4 stars; one submission).

Allele frequency attached by ClinVar (database versions not stated): gnomAD 0.00001; TOPMed 0.00001.
gnomAD v4.1: 7 of 1,613,018 alleles (0.00043%); highest among the groups gnomAD compares: Admixed American, 0.0017%; no homozygotes.

Submission:

Labcorp Genetics (formerly Invitae), Labcorp
Classification: Uncertain significance. Last evaluated: 2022-02-05. Review status: criteria provided, single submitter. Criteria: Invitae Variant Classification Sherloc (09022015). Collection method: clinical testing. Allele origin: germline.
Comment: This sequence change replaces threonine, which is neutral and polar, with serine, which is neutral and polar, at codon 1267 of the MPDZ protein (p.Thr1267Ser). This variant is present in population databases (no rsID available, gnomAD 0.007%). This variant has not been reported in the literature in individuals affected with MPDZ-related conditions. Algorithms developed to predict the effect of missense changes on protein structure and function (SIFT, PolyPhen-2, Align-GVGD) all suggest that this variant is likely to be disruptive. In summary, the available evidence is currently insufficient to determine the role of this variant in disease. Therefore, it has been classified as a Variant of Uncertain Significance.

NM_001378778.1(MPDZ):c.3800C>G (p.Thr1267Ser)

Gene: MPDZ (multiple PDZ domain crumbs cell polarity complex component; minus strand). Cytogenetic location: 9p23.
Variant type: single nucleotide variant.
Coding change: c.3800C>G on transcript NM_001378778.1 (MANE Select); coding-DNA position 3800, C replaced by G.
Protein change: p.Thr1267Ser; replaces threonine 1267 with serine.
Molecular consequence: missense variant. On other transcripts: intron variant (14).
Genome position (GRCh38, 1-based): chr9:13,143,506, G>C on the plus strand (C>G on the coding strand, the complement: MPDZ is on the minus strand). VCF-style: chr9-13143506-G-C. GRCh37 (hg19) VCF-style: chr9-13143505-G-C.
Other names: c.3800C>G, p.Thr1267Ser (NM_001330637.2, NM_001375413.1, NM_003829.5); c.3631-3357C>G (NM_001375425.1, NM_001375420.1, NM_001375423.1 and 4 more transcripts); c.3742-3357C>G (NM_001375419.1, NM_001375416.1, NM_001375418.1 and 3 more transcripts); c.3433-3357C>G (NM_001375427.1); short protein forms T1267S.
Identifiers: ClinVar variation 1443518 (VCV001443518.5), dbSNP rs1482299317, ClinGen allele CA372949958.
Genomic context (GRCh38, chr9:13,143,506, plus strand): 5'-GACAATGGGCATTATCCAACCTTGTCGGCGTTGATTTGTAGAGAGTCAGCAAATGGGTTA[G>C]TGCTGCTGAAGTTGTACTTAGGGTAAAGGTTGTGCAGCAAGGAAGGCAAAGGGGATTTCT-3'
Protein context (NP_001365707.1, residues 1257-1277): NLYPKYNFSS[Thr1267Ser]NPFADSLQIN